The following is an entry in ClinVar:

ClinVar aggregate classification (germline): Uncertain significance. Review status: criteria provided, multiple submitters, no conflicts (2 of 4 stars). 2 submissions from 2 submitters: Uncertain significance (2). Last evaluated 2019-08-28.

Conditions:
Non-syndromic X-linked intellectual disability (XLID). Also called: Mental retardation, nonsyndromic, X-linked. Identifiers: Orphanet 777, MedGen C3501611, MONDO:0019181.

Allele frequency attached by ClinVar (database versions not stated): gnomAD exomes 0.00001.
gnomAD v4.1: 10 of 1,199,654 alleles (0.00083%); highest among the groups gnomAD compares: Non-Finnish European, 0.0011%; no homozygotes.

Submissions (2):

Victorian Clinical Genetics Services, Murdoch Childrens Research Institute
Classification: Uncertain significance for Non-syndromic X-linked intellectual disability. Last evaluated: 2019-08-28. Review status: criteria provided, single submitter. Criteria: ACMG Guidelines, 2015. Collection method: clinical testing. Allele origin: germline. Inheritance: X-linked inheritance. Affected: yes.
Comment: A heterozygous missense variant was identified, NM_031407.6(HUWE1):c.811A>G in exon 12 of 84 of the HUWE1 gene. This substitution is predicted to create a major amino acid change from an arginine to a glycine at position 271 of the protein, NP_113584.3(HUWE1):p.(Arg271Gly). The arginine at this position has moderate conservation (100 vertebrates, UCSC), and located within the DUF908 domain. In silico software predictions for the pathogenicity of this variant are conflicting (Polyphen, SIFT, CADD, Mutation Taster). The variant is present in the gnomAD population database at a frequency of 0.00055% (1 heterozygote, 0 homozygotes, 0 hemizygotes). The variant has previously been reported as a VUS in a clinical case (ClinVar). Based on information available at the time of curation, this variant has been classified as a VARIANT of UNCERTAIN SIGNIFICANCE (VUS).

Eurofins Ntd Llc (ga)
Classification: Uncertain significance. Last evaluated: 2018-06-19. Review status: criteria provided, single submitter. Criteria: EGL ClinVar v180209 classification definitions. Collection method: clinical testing. Allele origin: germline. Observed: 1 variant allele, 1 hemizygote.

NM_031407.7(HUWE1):c.811A>G (p.Arg271Gly)

Gene: HUWE1 (HECT, UBA and WWE domain containing E3 ubiquitin protein ligase 1; minus strand). Cytogenetic location: Xp11.22.
Variant type: single nucleotide variant.
Coding change: c.811A>G on transcript NM_031407.7 (MANE Select); coding-DNA position 811, A replaced by G.
Protein change: p.Arg271Gly; replaces arginine 271 with glycine.
Molecular consequence: missense variant.
Genome position (GRCh38, 1-based): chrX:53,630,986, T>C on the plus strand (A>G on the coding strand, the complement: HUWE1 is on the minus strand). VCF-style: chrX-53630986-T-C. GRCh37 (hg19) VCF-style: chrX-53657938-T-C.
Other names: short protein forms R271G.
Identifiers: ClinVar variation 194123 (VCV000194123.7), dbSNP rs797044641, ClinGen allele CA239949.